The following is an entry in ClinVar:

ClinVar aggregate classification (germline): Pathogenic/Likely pathogenic. Review status: criteria provided, multiple submitters, no conflicts (2 of 4 stars). 3 submissions from 3 submitters: Pathogenic (2); Likely pathogenic (1). Last evaluated 2023-05-02.

Conditions:
MASS syndrome (OCTD). Also called: MASS PHENOTYPE; OVERLAP CONNECTIVE TISSUE DISEASE. Identifiers: MedGen C1858556, MONDO:0011431, OMIM 604308.
Marfan syndrome (MFS). Also called: Marfan syndrome type 1; Marfan's syndrome; FBN1-Related Marfan Syndrome; MARFAN SYNDROME, TYPE I; Marfan syndrome, classic. Identifiers: Orphanet 284963, Orphanet 558, MedGen C0024796, MONDO:0007947, OMIM 154700.
Familial thoracic aortic aneurysm and aortic dissection (TAAD). Also called: Thoracic aortic aneurysms and dissections. Identifiers: Orphanet 91387, MedGen C4707243, MONDO:0019625.

Submissions (3):

Human Genetics Unit, University Of Colombo
Classification: Pathogenic for MASS syndrome. Last evaluated: 2023-05-02. Review status: criteria provided, single submitter. Criteria: ACMG Guidelines, 2015. Collection method: clinical testing. Allele origin: germline. Affected: yes. Observed: 1 variant allele.
Comment: The NM_000138.5:c.3338-1G>C is a canonical splice site variant in the FBN1 gene, predicted to disrupt normal splicing and lead to aberrant or absent protein product. Null variant (intronic within +/-2 of splice site) in gene FBN1. Loss-of-function is a known mechanism of disease (gene has 1 839 reported pathogenic LOF variants) [PVS1]. Variant not found in gnomAD exomes, good gnomAD exomes coverage = 97.1 [PM2]. ClinVar classifies this variant as Pathogenic, 2 stars (reviewed Mar '25, 2 submissions), citing 2 articles (PMID 26787436 and 25907466) [PP5]. In summary, this variant meets criteria to be classified as pathogenic based on ACMG/AMP guidelines: PVS1_VeryStrong, PP4_Supporting, PP5_Supporting and PM2_Supporting.

Revvity Omics, Revvity
Classification: Likely pathogenic. Last evaluated: 2021-02-24. Review status: criteria provided, single submitter. Criteria: ACMG Guidelines, 2015. Collection method: clinical testing. Allele origin: germline.

Labcorp Genetics (formerly Invitae), Labcorp
Classification: Pathogenic for Marfan syndrome; Familial thoracic aortic aneurysm and aortic dissection. Last evaluated: 2021-01-26. Review status: criteria provided, single submitter. Criteria: Invitae Variant Classification Sherloc (09022015). Collection method: clinical testing. Allele origin: germline.
Comment: For these reasons, this variant has been classified as Pathogenic. Algorithms developed to predict the effect of sequence changes on RNA splicing suggest that this variant may disrupt the consensus splice site, but this prediction has not been confirmed by published transcriptional studies. Disruption of this splice site has been observed in individual(s) with Marfan syndrome (PMID: 26787436, 25907466). This variant is not present in population databases (ExAC no frequency). This sequence change affects an acceptor splice site in intron 27 of the FBN1 gene. It is expected to disrupt RNA splicing. Variants that disrupt the donor or acceptor splice site typically lead to a loss of protein function (PMID: 16199547), and loss-of-function variants in FBN1 are known to be pathogenic (PMID: 17657824, 19293843).

Literature cited by the submitters: PubMed 26787436 (cited by Human Genetics Unit, University Of Colombo and Labcorp Genetics (formerly Invitae), Labcorp); PubMed 25907466 (cited by Human Genetics Unit, University Of Colombo and Labcorp Genetics (formerly Invitae), Labcorp); PubMed 16199547 (cited by Labcorp Genetics (formerly Invitae), Labcorp); PubMed 17657824 (cited by Labcorp Genetics (formerly Invitae), Labcorp); PubMed 19293843 (cited by Labcorp Genetics (formerly Invitae), Labcorp).

NM_000138.5(FBN1):c.3338-1G>C

Gene: FBN1 (fibrillin 1; minus strand). Cytogenetic location: 15q21.1.
Variant type: single nucleotide variant.
Coding change: c.3338-1G>C on transcript NM_000138.5 (MANE Select); the canonical splice acceptor site of the intron before coding-DNA position 3338, G replaced by C.
Molecular consequence: splice acceptor variant.
Genome position (GRCh38, 1-based): chr15:48,487,438, C>G on the plus strand (G>C on the coding strand, the complement: FBN1 is on the minus strand). VCF-style: chr15-48487438-C-G. GRCh37 (hg19) VCF-style: chr15-48779635-C-G.
Other names: c.3338-1G>C (NM_001406716.1).
Identifiers: ClinVar variation 1324391 (VCV001324391.12), dbSNP rs2141293811, ClinGen allele CA392326843.